The following is an entry in ClinVar:

ClinVar aggregate classification (germline): Uncertain significance. Review status: criteria provided, multiple submitters, no conflicts (2 of 4 stars). 2 submissions from 2 submitters: Uncertain significance (2). Last evaluated 2025-10-14.

Conditions:
Inborn genetic diseases. Identifiers: MedGen C0950123, MeSH D030342.
Autosomal recessive limb-girdle muscular dystrophy type 2O. Also called: Limb-Girdle Muscular Dystrophy Type 3C; MUSCULAR DYSTROPHY-DYSTROGLYCANOPATHY (LIMB-GIRDLE), TYPE C, 3; MUSCULAR DYSTROPHY-DYSTROGLYCANOPATHY, LIMB-GIRDLE, POMGNT1-RELATED. Identifiers: Orphanet 206564, MedGen C3150417, MONDO:0013161, OMIM 613157.
Muscular dystrophy-dystroglycanopathy (congenital with impaired intellectual development), type B, 3. Also called: MUSCULAR DYSTROPHY, CONGENITAL, POMGNT1-RELATED; Muscular dystrophy-dystroglycanopathy (congenital with intellectual disability), type B3. Identifiers: MedGen C3150412, MONDO:0013155, OMIM 613151.

Allele frequency attached by ClinVar (database versions not stated): gnomAD exomes below 0.00001; TOPMed 0.00001; gnomAD 0.00002.
gnomAD v4.1: 5 of 1,614,016 alleles (0.00031%); highest among the groups gnomAD compares: African/African-American, 0.0067%; no homozygotes.

Submissions (2):

Ambry Genetics
Classification: Uncertain significance for Inborn genetic diseases. Last evaluated: 2025-10-14. Review status: criteria provided, single submitter. Criteria: Ambry Variant Classification Scheme 2023. Collection method: clinical testing. Allele origin: germline.

Labcorp Genetics (formerly Invitae), Labcorp
Classification: Uncertain significance for Autosomal recessive limb-girdle muscular dystrophy type 2O; Muscular dystrophy-dystroglycanopathy (congenital with impaired intellectual development), type B, 3. Last evaluated: 2022-02-01. Review status: criteria provided, single submitter. Criteria: Invitae Variant Classification Sherloc (09022015). Collection method: clinical testing. Allele origin: germline.
Comment: This sequence change replaces tyrosine, which is neutral and polar, with cysteine, which is neutral and slightly polar, at codon 341 of the POMGNT1 protein (p.Tyr341Cys). This variant is present in population databases (no rsID available, gnomAD 0.01%). This variant has not been reported in the literature in individuals affected with POMGNT1-related conditions. Advanced modeling of protein sequence and biophysical properties (such as structural, functional, and spatial information, amino acid conservation, physicochemical variation, residue mobility, and thermodynamic stability) performed at Invitae indicates that this missense variant is not expected to disrupt POMGNT1 protein function. Algorithms developed to predict the effect of sequence changes on RNA splicing suggest that this variant may create or strengthen a splice site. In summary, the available evidence is currently insufficient to determine the role of this variant in disease. Therefore, it has been classified as a Variant of Uncertain Significance.

NM_017739.4(POMGNT1):c.1022A>G (p.Tyr341Cys)

Genes: POMGNT1 (protein O-linked mannose N-acetylglucosaminyltransferase 1 (beta 1,2-); minus strand), TSPAN1 (tetraspanin 1; plus strand). Cytogenetic location: 1p34.1.
Variant type: single nucleotide variant.
Coding change: c.1022A>G on transcript NM_017739.4 (MANE Select); coding-DNA position 1022, A replaced by G.
Protein change: p.Tyr341Cys; replaces tyrosine 341 with cysteine.
Molecular consequence: missense variant.
Genome position (GRCh38, 1-based): chr1:46,193,568, T>C on the plus strand (A>G on the coding strand, the complement: POMGNT1 is on the minus strand). VCF-style: chr1-46193568-T-C. GRCh37 (hg19) VCF-style: chr1-46659240-T-C.
Other names: c.1022A>G (NM_017739.3); c.1022A>G, p.Tyr341Cys (NM_001243766.2, NM_001410783.1); c.956A>G, p.Tyr319Cys (NM_001290129.3); c.593A>G, p.Tyr198Cys (NM_001290130.2); short protein forms Y319C, Y341C, Y198C.
Identifiers: ClinVar variation 1980072 (VCV001980072.2), dbSNP rs1282166639, ClinGen allele CA340180559.